The following is an entry in ClinVar:

ClinVar aggregate classification (germline): Pathogenic/Likely pathogenic. Review status: criteria provided, multiple submitters, no conflicts (2 of 4 stars). 2 submissions from 2 submitters: Pathogenic (1); Likely pathogenic (1). Last evaluated 2024-01-31.

Conditions:
Autosomal recessive Alport syndrome (ATS2). Also called: COL4A4 Alport Syndrome and Thin Basement Membrane Nephropathy; ALPORT SYNDROME 2, AUTOSOMAL RECESSIVE; COL4A3-Related Nephropathy; Alport syndrome type 2. Identifiers: Orphanet 63, Orphanet 88919, MedGen C4746745, MONDO:0008762, OMIM 203780.
Hematuria, benign familial, 1 (BFH1). Also called: THIN MEMBRANE NEPHROPATHY. Identifiers: MedGen CN376803, MONDO:0007709, OMIM 141200.

Submissions (2):

Fulgent Genetics
Classification: Likely pathogenic for Hematuria, benign familial, 1; Autosomal recessive Alport syndrome. Last evaluated: 2024-01-31. Review status: criteria provided, single submitter. Criteria: ACMG Guidelines, 2015. Collection method: clinical testing. Allele origin: germline.

Labcorp Genetics (formerly Invitae), Labcorp
Classification: Pathogenic. Last evaluated: 2022-03-02. Review status: criteria provided, single submitter. Criteria: Invitae Variant Classification Sherloc (09022015). Collection method: clinical testing. Allele origin: germline.
Comment: This sequence change creates a premature translational stop signal (p.Gly873Aspfs*77) in the COL4A4 gene. It is expected to result in an absent or disrupted protein product. Loss-of-function variants in COL4A4 are known to be pathogenic (PMID: 21196518, 24854265, 25307543). This variant is not present in population databases (gnomAD no frequency). This variant has not been reported in the literature in individuals affected with COL4A4-related conditions. For these reasons, this variant has been classified as Pathogenic.

Literature cited by the submitters: PubMed 21196518 (cited by Labcorp Genetics (formerly Invitae), Labcorp); PubMed 24854265 (cited by Labcorp Genetics (formerly Invitae), Labcorp); PubMed 25307543 (cited by Labcorp Genetics (formerly Invitae), Labcorp).

NM_000092.5(COL4A4):c.2616del (p.Gly873fs)

Gene: COL4A4 (collagen type IV alpha 4 chain; minus strand). Cytogenetic location: 2q36.3.
Variant type: Deletion.
Coding change: c.2616del on transcript NM_000092.5 (MANE Select); coding-DNA position 2616, one base deleted (C; older notation c.2616delC).
Protein change: p.Gly873fs; shifts the reading frame from glycine 873.
Molecular consequence: frameshift variant.
Genome position (GRCh38, 1-based): chr2:227,056,045, G deleted on the plus strand (C on the coding strand, the reverse complement: COL4A4 is on the minus strand); the first of 4 consecutive G bases (chr2:227,056,045-227,056,048); deleting any one gives the same sequence. VCF-style (leftmost placement, unchanged base first): chr2-227056044-CG-C. GRCh37 (hg19) VCF-style: chr2-227920760-CG-C.
Other names: short protein forms G873fs.
Identifiers: ClinVar variation 2105703 (VCV002105703.5), dbSNP rs2474121090, ClinGen allele CA2580065890.